The following is an entry in ClinVar:

NM_199242.3(UNC13D):c.2943G>A (p.Glu981=)

Genes: UNC13D (unc-13 homolog D; minus strand), LOC112533672 (Sharpr-MPRA regulatory region 1193; plus strand). Cytogenetic location: 17q25.1.
Variant type: single nucleotide variant.
Coding change: c.2943G>A on transcript NM_199242.3 (MANE Select); coding-DNA position 2943, G replaced by A.
Protein change: p.Glu981=; no amino-acid change (glutamic acid 981 retained).
Molecular consequence: synonymous variant.
Genome position (GRCh38, 1-based): chr17:75,830,039, C>T on the plus strand (G>A on the coding strand, the complement: UNC13D is on the minus strand). VCF-style: chr17-75830039-C-T. GRCh37 (hg19) VCF-style: chr17-73826120-C-T.
Other names: p.Glu981=.
Identifiers: ClinVar variation 263238 (VCV000263238.17), dbSNP rs35628234, ClinGen allele CA8772344.
Genomic context (GRCh38, chr17:75,830,039, plus strand): 5'-GTGGGGAGAGATGAGGGGAGGGACTGGGAGAAGAACGGGACCCACTCACAATTCAAAGGT[C>T]TCATCAAACAATGGGTGAAGGTCCTTCTTGTGCTTCTGGGTCTCCCGGGCGGCCAGCTCA-3'
Protein context (NP_954712.1, residues 971-991): HKKDLHPLFD[Glu981=]TFEFLVPAEP

ClinVar aggregate classification (germline): Benign/Likely benign. Review status: criteria provided, multiple submitters, no conflicts (2 of 4 stars). 6 submissions from 6 submitters: Benign (5); Likely benign (1). Last evaluated 2026-02-04.

Conditions:
Familial hemophagocytic lymphohistiocytosis 3 (FHL3). Also called: UNC13D-Related Familial Hemophagocytic Lymphohistiocytosis (UNC13D-fHLH). Identifiers: Orphanet 540, MedGen C1837174, MONDO:0012146, OMIM 608898.

Allele frequency attached by ClinVar (database versions not stated): gnomAD exomes 0.04684 and 0.05161; gnomAD 0.07194 and 0.07237; ESP Exome Variant Server 0.07293; TOPMed 0.07295; 1000 Genomes Project 0.08027; 1000 Genomes Project 30x 0.08245; ExAC 0.10201.
gnomAD v4.1: 77,987 of 1,577,316 alleles (4.9%); highest among the groups gnomAD compares: African/African-American, 14%; 2,567 homozygotes.

Submissions (6):

Labcorp Genetics (formerly Invitae), Labcorp
Classification: Benign for Familial hemophagocytic lymphohistiocytosis 3. Last evaluated: 2026-02-04. Review status: criteria provided, single submitter. Criteria: Invitae Variant Classification Sherloc (09022015). Collection method: clinical testing. Allele origin: germline.

Blueprint Genetics
Classification: Likely benign. Last evaluated: 2024-11-28. Review status: criteria provided, single submitter. Criteria: ACMG Guidelines, 2015. Collection method: clinical testing. Allele origin: germline.

Mayo Clinic Laboratories, Mayo Clinic
Classification: Benign. Last evaluated: 2023-06-06. Review status: criteria provided, single submitter. Criteria: ACMG Guidelines, 2015. Collection method: clinical testing. Allele origin: germline. Observed: 62 variant alleles.

Illumina Laboratory Services, Illumina
Classification: Benign for Familial hemophagocytic lymphohistiocytosis 3. Last evaluated: 2018-01-13. Review status: criteria provided, single submitter. Criteria: ICSL Variant Classification Criteria 13 December 2019. Collection method: clinical testing. Allele origin: germline.
Comment: This variant was observed in the ICSL laboratory as part of a predisposition screen in an ostensibly healthy population. It had not been previously curated by ICSL or reported in the Human Gene Mutation Database (HGMD: prior to June 1st, 2018), and was therefore a candidate for classification through an automated scoring system. Utilizing variant allele frequency, disease prevalence and penetrance estimates, and inheritance mode, an automated score was calculated to assess if this variant is too frequent to cause the disease. Based on the score and internal cut-off values, a variant classified as benign is not then subjected to further curation. The score for this variant resulted in a classification of benign for this disease.

Breakthrough Genomics
Classification: Benign. Review status: criteria provided, single submitter. Criteria: ACMG Guidelines, 2015. Collection method: not provided. Allele origin: germline. Inheritance: Autosomal recessive inheritance. Affected: yes.

PreventionGenetics, part of Exact Sciences
Classification: Benign. Review status: criteria provided, single submitter. Criteria: ACMG Guidelines, 2015. Collection method: clinical testing. Allele origin: germline.